The following is an entry in ClinVar:

NM_000199.5(SGSH):c.817G>A (p.Asp273Asn)

Gene: SGSH (N-sulfoglucosamine sulfohydrolase; minus strand). Cytogenetic location: 17q25.3.
Variant type: single nucleotide variant.
Coding change: c.817G>A on transcript NM_000199.5 (MANE Select); coding-DNA position 817, G replaced by A.
Protein change: p.Asp273Asn; replaces aspartic acid 273 with asparagine.
Molecular consequence: missense variant. On other transcripts: non-coding transcript variant (1).
Genome position (GRCh38, 1-based): chr17:80,212,203, C>T on the plus strand (G>A on the coding strand, the complement: SGSH is on the minus strand). VCF-style: chr17-80212203-C-T. GRCh37 (hg19) VCF-style: chr17-78186002-C-T.
Other names: c.817G>A, p.Asp273Asn (NM_001352921.3, NM_001352922.2); c.817G>A (NM_000199.4); short protein forms D273N.
Identifiers: ClinVar variation 553454 (VCV000553454.22), dbSNP rs1046551417, ClinGen allele CA294892403.

ClinVar aggregate classification (germline): Pathogenic/Likely pathogenic. Review status: criteria provided, multiple submitters, no conflicts (2 of 4 stars). 9 submissions from 9 submitters: Pathogenic (3); Likely pathogenic (4). 2 of the submissions do not count toward it. Last evaluated 2025-10-29.

Conditions:
SGSH-related disorder. Also called: SGSH-related condition.
Mucopolysaccharidosis, MPS-III-A (MPS3A). Also called: SANFILIPPO SYNDROME A; SULFAMIDASE DEFICIENCY; MPS III A; MUCOPOLYSACCHARIDOSIS, TYPE IIIA, ATTENUATED; Mucopolysaccharidosis type IIIA (Sanfilippo A); MPS IIIA (Sanfilippo Syndrome Type A). Identifiers: Orphanet 581, Orphanet 79269, MedGen C0086647, MONDO:0009655, OMIM 252900.

Allele frequency attached by ClinVar (database versions not stated): gnomAD exomes 0.00001; TOPMed 0.00001.

Submissions (9):

Natera, Inc.
Classification: Likely pathogenic for Mucopolysaccharidosis type IIIA. Last evaluated: 2025-10-29. Review status: criteria provided, single submitter. Criteria: Natera Variant Classification Schema (03/2026). Collection method: clinical testing. Allele origin: germline.
Comment: The c.817G>A variant in SGSH is a missense variant predicted to cause substitution of aspartic acid to asparagine at amino acid 273. This variant is rare in the general population with a frequency below the threshold expected for the associated phenotype(s). This variant has been observed in one or more individuals affected with the associated recessive disease, as either homozygous or compound heterozygous with a second variant (PMID: 21204211, 27590925, 37772257, 38730490). Additionally, this variant has been observed to segregate in affected family members (PMID: 37772257). Computational prediction algorithms indicate this variant is likely to affect gene or protein function. Given the available evidence, this variant is classified as Likely Pathogenic.

Women's Health and Genetics/Laboratory Corporation of America, LabCorp
Classification: Pathogenic for Mucopolysaccharidosis, MPS-III-A. Last evaluated: 2025-06-23. Review status: criteria provided, single submitter. Criteria: LabCorp Variant Classification Summary - May 2015. Collection method: clinical testing. Allele origin: germline.
Comment: Variant summary: SGSH c.817G>A (p.Asp273Asn) results in a conservative amino acid change located in the Sulfatase, N-terminal domain (IPR000917) of the encoded protein sequence. Algorithms developed to predict the effect of missense changes on protein structure and function are either unavailable or do not agree on the potential impact of this missense change. The variant allele was found at a frequency of 8e-06 in 250174 control chromosomes. c.817G>A has been observed in multiple individuals affected with Mucopolysaccharidosis type IIIA (e.g. Beesley_2000, Heron_2011, Truxal_2016, Yogalingam_2001, Sheth_2024, internal data). These data indicate that the variant is very likely to be associated with disease. The following publications have been ascertained in the context of this evaluation (PMID: 11182930, 21204211, 15146460, 16174644, 38730490, 24816101, 27590925, 28844463, 11668611). ClinVar contains an entry for this variant (Variation ID: 553454). Based on the evidence outlined above, the variant was classified as pathogenic.

Labcorp Genetics (formerly Invitae), Labcorp
Classification: Pathogenic for Mucopolysaccharidosis, MPS-III-A. Last evaluated: 2025-06-17. Review status: criteria provided, single submitter. Criteria: Invitae Variant Classification Sherloc (09022015). Collection method: clinical testing. Allele origin: germline.
Comment: This sequence change replaces aspartic acid, which is acidic and polar, with asparagine, which is neutral and polar, at codon 273 of the SGSH protein (p.Asp273Asn). This variant is present in population databases (no rsID available, gnomAD 0.007%). This missense change has been observed in individual(s) with mucopolysaccharidosis type III (PMID: 11182930, 27590925; internal data). ClinVar contains an entry for this variant (Variation ID: 553454). Invitae Evidence Modeling of protein sequence and biophysical properties (such as structural, functional, and spatial information, amino acid conservation, physicochemical variation, residue mobility, and thermodynamic stability) indicates that this missense variant is expected to disrupt SGSH protein function with a positive predictive value of 95%. For these reasons, this variant has been classified as Pathogenic.

Blueprint Genetics
Classification: Likely pathogenic for SGSH-related disorders. Last evaluated: 2024-11-21. Review status: criteria provided, single submitter. Criteria: ACMG Guidelines, 2015. Collection method: clinical testing. Allele origin: germline. Affected: yes. Observed: 2 variant alleles.

Fulgent Genetics
Classification: Likely pathogenic for Mucopolysaccharidosis, MPS-III-A. Last evaluated: 2024-02-01. Review status: criteria provided, single submitter. Criteria: ACMG Guidelines, 2015. Collection method: clinical testing. Allele origin: germline.

Foundation for Research in Genetics and Endocrinology, FRIGE's Institute of Human Genetics
Classification: Likely pathogenic for Mucopolysaccharidosis, MPS-III-A. Last evaluated: 2022-08-08. Review status: criteria provided, single submitter. Criteria: ACMG Guidelines, 2015. Collection method: clinical testing. Allele origin: germline. Inheritance: Autosomal recessive inheritance. Affected: yes. Observed: 1 compound heterozygote.
Comment: A compound heterozygous missense variation in exon 7 of the SGSH gene that results in the amino acid substitution of Histidine for Arginine at codon 377 was detected. The observed variant has a minor allele frequency of 0.0003%, and 0.0008% in the 1000 genomes and gnomAD databases. The in silico prediction of the variant is benign by DANN, SIFT, LRT ,FATHMM-XF, MutPred and MutationTaster2. The reference codon is conserved across species. In summary, the variant meets our criteria to be classified as a likely pathogenic variant.

Genome-Nilou Lab
Classification: Pathogenic for Mucopolysaccharidosis, MPS-III-A. Last evaluated: 2021-11-07. Review status: criteria provided, single submitter. Criteria: ACMG Guidelines, 2015. Collection method: clinical testing. Allele origin: germline. Affected: no.

Counsyl
Classification: Uncertain significance for Mucopolysaccharidosis, MPS-III-A. Last evaluated: 2017-08-22. Review status: no assertion criteria provided. Collection method: clinical testing. Allele origin: unknown. Not counted in ClinVar's aggregate classification.

Molecular Biology Laboratory, Department of Zoology, Quaid-i-azam University
Classification: Likely pathogenic for Mucopolysaccharidosis, MPS-III-A. Review status: no assertion criteria provided. Collection method: research. Allele origin: inherited. Inheritance: Autosomal recessive inheritance. Affected: yes. Not counted in ClinVar's aggregate classification.

Literature cited by the submitters: PubMed 21204211 (cited by 3 submitters); PubMed 27590925 (cited by 4 submitters); PubMed 37772257 (cited by Natera, Inc.); PubMed 38730490 (cited by Natera, Inc. and Women's Health and Genetics/Laboratory Corporation of America, LabCorp); PubMed 15146460 (cited by Women's Health and Genetics/Laboratory Corporation of America, LabCorp); PubMed 11182930 (cited by 3 submitters); PubMed 24816101 (cited by Women's Health and Genetics/Laboratory Corporation of America, LabCorp and Counsyl); PubMed 11668611 (cited by Women's Health and Genetics/Laboratory Corporation of America, LabCorp); PubMed 16174644 (cited by Women's Health and Genetics/Laboratory Corporation of America, LabCorp); PubMed 28844463 (cited by Women's Health and Genetics/Laboratory Corporation of America, LabCorp).